The following is an entry in ClinVar:

ClinVar aggregate classification (germline): Likely benign. Review status: criteria provided, multiple submitters, no conflicts (2 of 4 stars). 3 submissions from 3 submitters: Likely benign (3). Last evaluated 2025-09-16.

Conditions:
TTN-related disorder. Also called: TTN-related condition; TTN-related disease; TTN-related disorders.
Dilated cardiomyopathy 1G (CMD1G). Identifiers: Orphanet 154, MedGen C1858763, MONDO:0011400, OMIM 604145.
Autosomal recessive limb-girdle muscular dystrophy type 2J (LGMDR10). Also called: Limb-girdle muscular dystrophy, type 2J; MUSCULAR DYSTROPHY, LIMB-GIRDLE, AUTOSOMAL RECESSIVE 10. Identifiers: Orphanet 140922, MedGen C1837342, MONDO:0012127, OMIM 608807.

Allele frequency attached by ClinVar (database versions not stated): gnomAD 0.00001; gnomAD exomes 0.00001; TOPMed 0.00003.
gnomAD v4.1: 12 of 1,613,808 alleles (0.00074%); highest among the groups gnomAD compares: African/African-American, 0.0067%; no homozygotes.

Submissions (3):

PreventionGenetics, part of Exact Sciences
Classification: Likely benign for TTN-related condition. Last evaluated: 2025-09-16. Review status: criteria provided, single submitter. Criteria: ACMG Guidelines, 2015. Collection method: clinical testing. Allele origin: germline.
Comment: This variant is classified as likely benign based on ACMG/AMP sequence variant interpretation guidelines (Richards et al. 2015 PMID: 25741868, with internal and published modifications).

Labcorp Genetics (formerly Invitae), Labcorp
Classification: Likely benign for Dilated cardiomyopathy 1G; Autosomal recessive limb-girdle muscular dystrophy type 2J. Last evaluated: 2025-04-17. Review status: criteria provided, single submitter. Criteria: Invitae Variant Classification Sherloc (09022015). Collection method: clinical testing. Allele origin: germline.

Blueprint Genetics
Classification: Likely benign. Last evaluated: 2022-01-18. Review status: criteria provided, single submitter. Criteria: ACMG Guidelines, 2015. Collection method: clinical testing. Allele origin: germline.

NM_001267550.2(TTN):c.30486G>A (p.Thr10162=)

Gene: TTN (titin; minus strand). Cytogenetic location: 2q31.2.
Variant type: single nucleotide variant.
Coding change: c.30486G>A on transcript NM_001267550.2 (MANE Select); coding-DNA position 30486, G replaced by A.
Protein change: p.Thr10162=; no amino-acid change (threonine 10162 retained).
Molecular consequence: synonymous variant. On other transcripts: intron variant (3).
Genome position (GRCh38, 1-based): chr2:178,702,193, C>T on the plus strand (G>A on the coding strand, the complement: TTN is on the minus strand). VCF-style: chr2-178702193-C-T. GRCh37 (hg19) VCF-style: chr2-179566920-C-T.
Other names: c.29535G>A, p.Thr9845= (NM_001256850.1); c.26754G>A, p.Thr8918= (NM_133378.4); c.13282+35889G>A (NM_003319.4); c.13858+35889G>A (NM_133437.4); c.13657+35889G>A (NM_133432.3).
Identifiers: ClinVar variation 2194102 (VCV002194102.6), dbSNP rs1046922182, ClinGen allele CA60997666.
Genomic context (GRCh38, chr2:178,702,193, plus strand): 5'-GATGGCAGGGTGGCTTTCTGATGGCGCTACCTCACCTTTCGTCGTTAGGTACAGCTCTGC[C>T]GTGCTTCTTGCTTCACCTCTTGGCTCCAGCCGAGCGATGACCGAGTAGACACCTAGGGTG-3'
Protein context (NP_001254479.2, residues 10152-10172): RLEPRGEARS[Thr10162=]AELYLTTKEI